The following is an entry in ClinVar:

NM_024675.4(PALB2):c.3083G>T (p.Gly1028Val)

Gene: PALB2 (partner and localizer of BRCA2; minus strand). Cytogenetic location: 16p12.2.
Variant type: single nucleotide variant.
Coding change: c.3083G>T on transcript NM_024675.4 (MANE Select); coding-DNA position 3083, G replaced by T.
Protein change: p.Gly1028Val; replaces glycine 1028 with valine.
Molecular consequence: missense variant.
Genome position (GRCh38, 1-based): chr16:23,621,392, C>A on the plus strand (G>T on the coding strand, the complement: PALB2 is on the minus strand). VCF-style: chr16-23621392-C-A. GRCh37 (hg19) VCF-style: chr16-23632713-C-A.
Other names: short protein forms G1028V.
Identifiers: ClinVar variation 663510 (VCV000663510.12), dbSNP rs779642624, ClinGen allele CA395142895.

ClinVar aggregate classification (germline): Uncertain significance. Review status: criteria provided, multiple submitters, no conflicts (2 of 4 stars). 2 submissions from 2 submitters: Uncertain significance (2). Last evaluated 2022-11-20.

Conditions:
Hereditary cancer-predisposing syndrome. Also called: Neoplastic Syndromes, Hereditary; Tumor predisposition; Hereditary neoplastic syndrome; Hereditary Cancer Syndrome. Identifiers: Orphanet 140162, MedGen C0027672, MeSH D009386, MONDO:0015356.
Familial cancer of breast. Also called: BREAST CANCER, FAMILIAL; hereditary breast carcinoma; Hereditary breast cancer. Identifiers: Orphanet 227535, MedGen C0346153, MONDO:0016419, OMIM 114480. Disease mechanism: loss of function.

Submissions (2):

Ambry Genetics
Classification: Uncertain significance for Hereditary cancer-predisposing syndrome. Last evaluated: 2022-11-20. Review status: criteria provided, single submitter. Criteria: Ambry Variant Classification Scheme 2023. Collection method: clinical testing. Allele origin: germline.
Comment: The p.G1028V variant (also known as c.3083G>T), located in coding exon 10 of the PALB2 gene, results from a G to T substitution at nucleotide position 3083. The glycine at codon 1028 is replaced by valine, an amino acid with dissimilar properties. This amino acid position is highly conserved in available vertebrate species. In addition, the in silico prediction for this alteration is inconclusive. Since supporting evidence is limited at this time, the clinical significance of this alteration remains unclear.

Labcorp Genetics (formerly Invitae), Labcorp
Classification: Uncertain significance for Familial cancer of breast. Last evaluated: 2018-12-29. Review status: criteria provided, single submitter. Criteria: Invitae Variant Classification Sherloc (09022015). Collection method: clinical testing. Allele origin: germline.
Comment: In summary, the available evidence is currently insufficient to determine the role of this variant in disease. Therefore, it has been classified as a Variant of Uncertain Significance. Algorithms developed to predict the effect of missense changes on protein structure and function (SIFT, PolyPhen-2, Align-GVGD) all suggest that this variant is likely to be disruptive, but these predictions have not been confirmed by published functional studies and their clinical significance is uncertain. This variant has not been reported in the literature in individuals with PALB2-related conditions. This variant is not present in population databases (ExAC no frequency). This sequence change replaces glycine with valine at codon 1028 of the PALB2 protein (p.Gly1028Val). The glycine residue is highly conserved and there is a moderate physicochemical difference between glycine and valine.